The following is an entry in ClinVar:

NM_003803.4(MYOM1):c.3662G>A (p.Ser1221Asn)

Gene: MYOM1 (myomesin 1; minus strand). Cytogenetic location: 18p11.31.
Variant type: single nucleotide variant.
Coding change: c.3662G>A on transcript NM_003803.4 (MANE Select); coding-DNA position 3662, G replaced by A.
Protein change: p.Ser1221Asn; replaces serine 1221 with asparagine.
Molecular consequence: missense variant.
Genome position (GRCh38, 1-based): chr18:3,100,340, C>T on the plus strand (G>A on the coding strand, the complement: MYOM1 is on the minus strand). VCF-style: chr18-3100340-C-T. GRCh37 (hg19) VCF-style: chr18-3100338-C-T.
Other names: c.3374G>A, p.Ser1125Asn (NM_019856.2); short protein forms S1125N, S1221N.
Identifiers: ClinVar variation 4703102 (VCV004703102.1).
Genomic context (GRCh38, chr18:3,100,340, plus strand): 5'-AGCAACATTCGATGTGTGAATGCACTGATTTTAAACTTACCTTCCTCATCTATTAAGTAG[C>T]TTGATGCTATTCCATCAGTGTCTGTTACATCGCAAGAGTAAATACCCAAGTCATCCATCC-3'
Protein context (NP_003794.3, residues 1211-1231): DVTDTDGIAS[Ser1221Asn]YLIDEEELKR

ClinVar aggregate classification (germline): Uncertain significance (1 of 4 stars; one submission).

Conditions:
Hypertrophic cardiomyopathy. Also called: HYPERTROPHIC MYOCARDIOPATHY. Identifiers: Orphanet 217569, MedGen C0007194, MeSH D002312, MONDO:0005045, HP:0001639.

gnomAD v4.1: 6 of 1,613,856 alleles (0.00037%); highest among the groups gnomAD compares: Non-Finnish European, 0.00051%; no homozygotes.

Submission:

Labcorp Genetics (formerly Invitae), Labcorp
Classification: Uncertain significance for Hypertrophic cardiomyopathy. Last evaluated: 2025-09-22. Review status: criteria provided, single submitter. Criteria: Invitae Variant Classification Sherloc (09022015). Collection method: clinical testing. Allele origin: germline.
Comment: This sequence change replaces serine, which is neutral and polar, with asparagine, which is neutral and polar, at codon 1221 of the MYOM1 protein (p.Ser1221Asn). This variant is not present in population databases (gnomAD no frequency). This variant has not been reported in the literature in individuals affected with MYOM1-related conditions. Invitae Evidence Modeling of protein sequence and biophysical properties (such as structural, functional, and spatial information, amino acid conservation, physicochemical variation, residue mobility, and thermodynamic stability) indicates that this missense variant is expected to disrupt MYOM1 protein function with a positive predictive value of 80%. In summary, the available evidence is currently insufficient to determine the role of this variant in disease. Therefore, it has been classified as a Variant of Uncertain Significance.